The following is an entry in ClinVar:

ClinVar aggregate classification (germline): Uncertain significance (1 of 4 stars; one submission).

Submission:

GeneDx
Classification: Uncertain significance. Last evaluated: 2021-06-15. Review status: criteria provided, single submitter. Criteria: GeneDx Variant Classification Process June 2021. Collection method: clinical testing. Allele origin: germline. Affected: yes.
Comment: Has not been previously published as pathogenic or benign to our knowledge; Not observed at significant frequency in large population cohorts (Lek et al., 2016); In silico analysis supports a deleterious effect on splicing; This variant is associated with the following publications: (PMID: 27535533)

NM_001367873.1(SOX6):c.1252-6T>G

Gene: SOX6 (SRY-box transcription factor 6; minus strand). Cytogenetic location: 11p15.2.
Variant type: single nucleotide variant.
Coding change: c.1252-6T>G on transcript NM_001367873.1 (MANE Select); 6 bases into the intron before coding-DNA position 1252, T replaced by G.
Molecular consequence: intron variant.
Genome position (GRCh38, 1-based): chr11:16,049,944, A>C on the plus strand (T>G on the coding strand, the complement: SOX6 is on the minus strand). VCF-style: chr11-16049944-A-C. GRCh37 (hg19) VCF-style: chr11-16071490-A-C.
Other names: c.1129-6T>G (NM_001367872.1, NM_001145811.2, NM_017508.3); c.1252-6T>G (NM_033326.3, NM_001145819.2).
Identifiers: ClinVar variation 1328916 (VCV001328916.2), dbSNP rs368143282, ClinGen allele CA2573053457.